The following is an entry in ClinVar:

ClinVar aggregate classification (germline): Likely benign (1 of 4 stars; one submission).

Submission:

Mayo Clinic Laboratories, Mayo Clinic
Classification: Likely benign. Last evaluated: 2025-10-12. Review status: criteria provided, single submitter. Criteria: ACMG Guidelines, 2015. Collection method: clinical testing. Allele origin: germline. Observed: 1 variant allele.
Comment: BP4, BP7

NM_000540.3(RYR1):c.1926-7C>G

Gene: RYR1 (ryanodine receptor 1; plus strand). Cytogenetic location: 19q13.2.
Variant type: single nucleotide variant.
Coding change: c.1926-7C>G on transcript NM_000540.3 (MANE Select); 7 bases into the intron before coding-DNA position 1926, C replaced by G.
Molecular consequence: intron variant.
Genome position (GRCh38, 1-based): chr19:38,458,044, C>G. VCF-style: chr19-38458044-C-G. GRCh37 (hg19) VCF-style: chr19-38948684-C-G.
Other names: p.?; c.1926-7C>G (NM_001042723.2).
Identifiers: ClinVar variation 4684370 (VCV004684370.1).